The following is an entry in ClinVar:

NM_001374259.2(IL12RB2):c.468G>C (p.Glu156Asp)

Gene: IL12RB2 (interleukin 12 receptor subunit beta 2; plus strand). Cytogenetic location: 1p31.3.
Variant type: single nucleotide variant.
Coding change: c.468G>C on transcript NM_001374259.2 (MANE Select); coding-DNA position 468, G replaced by C.
Protein change: p.Glu156Asp; replaces glutamic acid 156 with aspartic acid.
Molecular consequence: missense variant. On other transcripts: non-coding transcript variant (2).
Genome position (GRCh38, 1-based): chr1:67,326,838, G>C. VCF-style: chr1-67326838-G-C. GRCh37 (hg19) VCF-style: chr1-67792521-G-C.
Other names: c.468G>C, p.Glu156Asp (NM_001258215.1, NM_001258216.1, NM_001319233.1 and 2 more transcripts); short protein forms E156D.
Identifiers: ClinVar variation 2745169 (VCV002745169.3), dbSNP rs757776580, ClinGen allele CA340732047.

ClinVar aggregate classification (germline): Uncertain significance (1 of 4 stars; one submission).

Submission:

Labcorp Genetics (formerly Invitae), Labcorp
Classification: Uncertain significance. Last evaluated: 2023-07-19. Review status: criteria provided, single submitter. Criteria: Invitae Variant Classification Sherloc (09022015). Collection method: clinical testing. Allele origin: germline.
Comment: This sequence change replaces glutamic acid, which is acidic and polar, with aspartic acid, which is acidic and polar, at codon 156 of the IL12RB2 protein (p.Glu156Asp). This variant is not present in population databases (gnomAD no frequency). This variant has not been reported in the literature in individuals affected with IL12RB2-related conditions. An algorithm developed to predict the effect of missense changes on protein structure and function (PolyPhen-2) suggests that this variant is likely to be tolerated. In summary, the available evidence is currently insufficient to determine the role of this variant in disease. Therefore, it has been classified as a Variant of Uncertain Significance.